The following is an entry in ClinVar:

NM_000237.3(LPL):c.305G>C (p.Arg102Thr)

Gene: LPL (lipoprotein lipase; plus strand). Cytogenetic location: 8p21.3.
Variant type: single nucleotide variant.
Coding change: c.305G>C on transcript NM_000237.3 (MANE Select); coding-DNA position 305, G replaced by C.
Protein change: p.Arg102Thr; replaces arginine 102 with threonine.
Molecular consequence: missense variant.
Genome position (GRCh38, 1-based): chr8:19,951,824, G>C. VCF-style: chr8-19951824-G-C. GRCh37 (hg19) VCF-style: chr8-19809335-G-C.
Other names: short protein forms R102T.
Identifiers: ClinVar variation 2988064 (VCV002988064.3), dbSNP rs781159405, ClinGen allele CA370467509.
Genomic context (GRCh38, chr8:19,951,824, plus strand): 5'-TTCAGGTAACAGGAATGTATGAGAGTTGGGTGCCAAAACTTGTGGCCGCCCTGTACAAGA[G>C]AGAACCAGACTCCAATGTCATTGTGGTGGACTGGCTGTCACGGGCTCAGGAGCATTACCC-3'
Protein context (NP_000228.1, residues 92-112): VPKLVAALYK[Arg102Thr]EPDSNVIVVD

ClinVar aggregate classification (germline): Likely pathogenic (1 of 4 stars; one submission).

Allele frequency attached by ClinVar (database versions not stated): TOPMed below 0.00001.

Submission:

Labcorp Genetics (formerly Invitae), Labcorp
Classification: Likely pathogenic. Last evaluated: 2023-07-25. Review status: criteria provided, single submitter. Criteria: Invitae Variant Classification Sherloc (09022015). Collection method: clinical testing. Allele origin: germline.
Comment: This variant is not present in population databases (gnomAD no frequency). In summary, the currently available evidence indicates that the variant is pathogenic, but additional data are needed to prove that conclusively. Therefore, this variant has been classified as Likely Pathogenic. This variant disrupts the p.Arg102 amino acid residue in LPL. Other variant(s) that disrupt this residue have been determined to be pathogenic (PMID: 8325986). This suggests that this residue is clinically significant, and that variants that disrupt this residue are likely to be disease-causing. Experimental studies have shown that this missense change affects LPL function (PMID: 33217533). Advanced modeling of protein sequence and biophysical properties (such as structural, functional, and spatial information, amino acid conservation, physicochemical variation, residue mobility, and thermodynamic stability) performed at Invitae indicates that this missense variant is not expected to disrupt LPL protein function. This missense change has been observed in individual(s) with dyslipidemia (PMID: 33217533). In at least one individual the data is consistent with being in trans (on the opposite chromosome) from a pathogenic variant. This sequence change replaces arginine, which is basic and polar, with threonine, which is neutral and polar, at codon 102 of the LPL protein (p.Arg102Thr).

Literature cited by the submitters: PubMed 8325986; PubMed 33217533.